The following is an entry in ClinVar:

NM_001323289.2(CDKL5):c.2014A>T (p.Thr672Ser)

Gene: CDKL5 (cyclin dependent kinase like 5; plus strand). Cytogenetic location: Xp22.13.
Variant type: single nucleotide variant.
Coding change: c.2014A>T on transcript NM_001323289.2 (MANE Select); coding-DNA position 2014, A replaced by T.
Protein change: p.Thr672Ser; replaces threonine 672 with serine.
Molecular consequence: missense variant.
Genome position (GRCh38, 1-based): chrX:18,608,880, A>T. VCF-style: chrX-18608880-A-T. GRCh37 (hg19) VCF-style: chrX-18627000-A-T.
Other names: c.2014A>T, p.Thr672Ser (NM_001037343.2, NM_003159.3); short protein forms T672S.
Identifiers: ClinVar variation 1040215 (VCV001040215.9), dbSNP rs1926449880, ClinGen allele CA412366046.
Genomic context (GRCh38, chrX:18,608,880, plus strand): 5'-CAGCTCCCTCCAGAGATGACTGTGGCAAGATCTTCGGTCAAAGAGACCTCCAGAGAAGGC[A>T]CCTCTTCCTTCCATACACGCCAGAAGTCTGAGGTATGTCACAATAAAATATGCCTGTAAA-3'
Protein context (NP_001310218.1, residues 662-682): SSVKETSREG[Thr672Ser]SSFHTRQKSE

ClinVar aggregate classification (germline): Uncertain significance (1 of 4 stars; one submission).

Conditions:
Angelman syndrome-like. Identifiers: MedGen CN128785.
Developmental and epileptic encephalopathy, 2 (DEE2). Also called: INFANTILE SPASM SYNDROME, X-LINKED 2; CDKL5 deficiency disorder. Identifiers: Orphanet 1934, Orphanet 3451, Orphanet 505652, MedGen C4750718, MONDO:0010396, OMIM 300672.

Allele frequency attached by ClinVar (database versions not stated): gnomAD 0.00001.
gnomAD v4.1: 1 of 1,200,516 alleles (0.000083%); highest among the groups gnomAD compares: African/African-American, 0.0018%; no homozygotes.

Submission:

Labcorp Genetics (formerly Invitae), Labcorp
Classification: Uncertain significance for Developmental and epileptic encephalopathy, 2; Angelman syndrome-like. Last evaluated: 2020-07-09. Review status: criteria provided, single submitter. Criteria: Invitae Variant Classification Sherloc (09022015). Collection method: clinical testing. Allele origin: germline.
Comment: This variant is not present in population databases (ExAC no frequency). In summary, the available evidence is currently insufficient to determine the role of this variant in disease. Therefore, it has been classified as a Variant of Uncertain Significance. Algorithms developed to predict the effect of missense changes on protein structure and function output the following: SIFT: "Tolerated"; PolyPhen-2: "Benign"; Align-GVGD: "Class C0". The serine amino acid residue is found in multiple mammalian species, suggesting that this missense change does not adversely affect protein function. These predictions have not been confirmed by published functional studies and their clinical significance is uncertain. This variant has not been reported in the literature in individuals with CDKL5-related conditions. This sequence change replaces threonine with serine at codon 672 of the CDKL5 protein (p.Thr672Ser). The threonine residue is moderately conserved and there is a small physicochemical difference between threonine and serine.